The following is an entry in ClinVar:

ClinVar aggregate classification (germline): Conflicting classifications of pathogenicity. Review status: criteria provided, conflicting classifications (1 of 4 stars). 4 submissions from 3 submitters: Uncertain significance (2); Likely benign (2). Last evaluated 2025-04-23.

Conditions:
Autosomal dominant cerebellar ataxia. Also called: Spinocerebellar Ataxia, Dominant. Identifiers: Orphanet 99, MedGen C4087347, MONDO:0020380.
Charcot-Marie-Tooth disease axonal type 2O. Also called: Charcot-Marie-Tooth disease, axonal, type 20; CHARCOT-MARIE-TOOTH NEUROPATHY, AXONAL, TYPE 2O; CHARCOT-MARIE-TOOTH DISEASE, AXONAL, AUTOSOMAL DOMINANT, TYPE 2O; Charcot-Marie-Tooth Neuropathy Type 2O. Identifiers: Orphanet 284232, MedGen C3280220, MONDO:0013644, OMIM 614228.

Allele frequency attached by ClinVar (database versions not stated): TOPMed 0.00001.
gnomAD v4.1: 13 of 1,614,022 alleles (0.00081%); highest among the groups gnomAD compares: Admixed American, 0.0033%; no homozygotes.

Submissions (4):

Labcorp Genetics (formerly Invitae), Labcorp
Classification: Likely benign for Charcot-Marie-Tooth disease axonal type 2O. Last evaluated: 2025-04-23. Review status: criteria provided, single submitter. Criteria: Invitae Variant Classification Sherloc (09022015). Collection method: clinical testing. Allele origin: germline.

Women's Health and Genetics/Laboratory Corporation of America, LabCorp
Classification: Likely benign. Last evaluated: 2024-10-01. Review status: criteria provided, single submitter. Criteria: LabCorp Variant Classification Summary - May 2015. Collection method: clinical testing. Allele origin: germline.
Comment: Variant summary: DYNC1H1 c.9138G>A alters a conserved nucleotide resulting in a synonymous change. Consensus agreement among computation tools predict no significant impact on normal splicing. However, these predictions have yet to be confirmed by functional studies. The variant allele was found at a frequency of 1.6e-05 in 251274 control chromosomes. The available data on variant occurrences in the general population are insufficient to allow any conclusion about variant significance. To our knowledge, no occurrence of c.9138G>A in individuals affected with &phenotype& and no experimental evidence demonstrating its impact on protein function have been reported. ClinVar contains an entry for this variant (Variation ID: 883230). Based on the evidence outlined above, the variant was classified as likely benign.

Illumina Laboratory Services, Illumina
Classification: Uncertain significance for Charcot-Marie-Tooth disease axonal type 2O. Last evaluated: 2017-04-27. Review status: criteria provided, single submitter. Criteria: ICSL Variant Classification Criteria 13 December 2019. Collection method: clinical testing. Allele origin: germline.

Illumina Laboratory Services, Illumina
Classification: Uncertain significance for Spinocerebellar Ataxia, Dominant. Last evaluated: 2017-04-27. Review status: criteria provided, single submitter. Criteria: ICSL Variant Classification Criteria 13 December 2019. Collection method: clinical testing. Allele origin: germline.

NM_001376.5(DYNC1H1):c.9138G>A (p.Ser3046=)

Genes: DYNC1H1 (dynein cytoplasmic 1 heavy chain 1; plus strand), LOC126862060 (BRD4-independent group 4 enhancer GRCh37_chr14:102493659-102494858; plus strand). Cytogenetic location: 14q32.31.
Variant type: single nucleotide variant.
Coding change: c.9138G>A on transcript NM_001376.5 (MANE Select); coding-DNA position 9138, G replaced by A.
Protein change: p.Ser3046=; no amino-acid change (serine 3046 retained).
Molecular consequence: synonymous variant.
Genome position (GRCh38, 1-based): chr14:102,027,708, G>A. VCF-style: chr14-102027708-G-A. GRCh37 (hg19) VCF-style: chr14-102494045-G-A.
Identifiers: ClinVar variation 883230 (VCV000883230.9), dbSNP rs34338935, ClinGen allele CA7353169.